The following is an entry in ClinVar:

NM_001257.5(CDH13):c.783C>A (p.Gly261=)

Gene: CDH13 (cadherin 13; plus strand). Cytogenetic location: 16q23.3.
Variant type: single nucleotide variant.
Coding change: c.783C>A on transcript NM_001257.5 (MANE Select); coding-DNA position 783, C replaced by A.
Protein change: p.Gly261=; no amino-acid change (glycine 261 retained).
Molecular consequence: synonymous variant.
Genome position (GRCh38, 1-based): chr16:83,486,478, C>A. VCF-style: chr16-83486478-C-A. GRCh37 (hg19) VCF-style: chr16-83520083-C-A.
Other names: c.924C>A, p.Gly308= (NM_001220488.2); c.666C>A, p.Gly222= (NM_001220489.2); c.21C>A, p.Gly7= (NM_001220490.2).
Identifiers: ClinVar variation 3052355 (VCV003052355.2), dbSNP rs192298176, ClinGen allele CA8196533.

ClinVar aggregate classification (germline): Likely benign (0 of 4 stars; one submission).

Conditions:
CDH13-related disorder. Also called: CDH13-related condition.

Allele frequency attached by ClinVar (database versions not stated): gnomAD exomes 0.00010; ExAC 0.00039; 1000 Genomes Project 30x 0.00062; 1000 Genomes Project 0.00080; TOPMed 0.00158; ESP Exome Variant Server 0.00205.
gnomAD v4.1: 373 of 1,612,160 alleles (0.023%); highest among the groups gnomAD compares: African/African-American, 0.46%; 2 homozygotes.

Submission:

PreventionGenetics, part of Exact Sciences
Classification: Likely benign for CDH13-related condition. Last evaluated: 2019-08-16. Review status: no assertion criteria provided. Collection method: clinical testing. Allele origin: germline.
Comment: This variant is classified as likely benign based on ACMG/AMP sequence variant interpretation guidelines (Richards et al. 2015 PMID: 25741868, with internal and published modifications).